The following is an entry in ClinVar:

ClinVar aggregate classification (germline): Uncertain significance (1 of 4 stars; one submission).

Conditions:
Surfactant metabolism dysfunction, pulmonary, 4 (SMDP4). Also called: PAP DUE TO CSF2RA DEFICIENCY; CSF2RA DEFICIENCY; PULMONARY ALVEOLAR PROTEINOSIS, CONGENITAL, 4. Identifiers: Orphanet 264675, MedGen C2677877, MONDO:0010424, OMIM 300770.

Allele frequency attached by ClinVar (database versions not stated): gnomAD exomes below 0.00001; ExAC 0.00001; gnomAD 0.00001.
gnomAD v4.1: 14 of 1,613,798 alleles (0.00087%); highest among the groups gnomAD compares: East Asian, 0.0022%; no homozygotes.

Submission:

Labcorp Genetics (formerly Invitae), Labcorp
Classification: Uncertain significance for Surfactant metabolism dysfunction, pulmonary, 4. Last evaluated: 2023-10-03. Review status: criteria provided, single submitter. Criteria: Invitae Variant Classification Sherloc (09022015). Collection method: clinical testing. Allele origin: germline.
Comment: This sequence change replaces proline, which is neutral and non-polar, with leucine, which is neutral and non-polar, at codon 357 of the CSF2RA protein (p.Pro357Leu). The frequency data for this variant in the population databases is considered unreliable, as metrics indicate poor data quality at this position in the gnomAD database. This variant has not been reported in the literature in individuals affected with CSF2RA-related conditions. ClinVar contains an entry for this variant (Variation ID: 945785). Experimental studies and prediction algorithms are not available or were not evaluated, and the functional significance of this variant is currently unknown. In summary, the available evidence is currently insufficient to determine the role of this variant in disease. Therefore, it has been classified as a Variant of Uncertain Significance.

NM_172245.4(CSF2RA):c.1070C>T (p.Pro357Leu)

Gene: CSF2RA (colony stimulating factor 2 receptor subunit alpha; plus strand). Cytogenetic location: Xp22.33.
Variant type: single nucleotide variant.
Coding change: c.1070C>T on transcript NM_172245.4 (MANE Select); coding-DNA position 1070, C replaced by T.
Protein change: p.Pro357Leu; replaces proline 357 with leucine.
Molecular consequence: missense variant. On other transcripts: non-coding transcript variant (1), intron variant (1).
Genome position (GRCh38, 1-based): chrX:1,305,472, C>T. VCF-style: chrX-1305472-C-T. GRCh37 (hg19) VCF-style: chrX-1424365-C-T.
Other names: c.1070C>T, p.Pro357Leu (NM_001161529.2, NM_001161531.2, NM_001379155.1 and 9 more transcripts); c.1172C>T, p.Pro391Leu (NM_001161530.2, NM_001379153.1, NM_001379154.1); c.671C>T, p.Pro224Leu (NM_001161532.2); c.1040C>T, p.Pro347Leu (NM_001379160.1); c.881C>T, p.Pro294Leu (NM_001379166.1); c.973C>T, p.Arg325Cys (NM_001379167.1, NM_001379168.1, NM_001379169.1 and 1 more transcripts); c.673C>T, p.Arg225Cys (NM_172249.4); c.947-3930C>T (NM_172246.4); short protein forms P357L, P294L, P224L, R325C, P347L, P391L, R225C.
Identifiers: ClinVar variation 945785 (VCV000945785.9), dbSNP rs770606889, ClinGen allele CA10331184.
Genomic context (GRCh38, chrX:1,305,472, plus strand): 5'-TTCATTCTCTTCACACTTTTTCTCTGTGTCTCAGGTTCCTTAGGATACAGCGGCTGTTCC[C>T]GCCAGTTCCACAGATCAAAGACAAACTGAATGATAACCATGAGGTGGAAGACGAGGTAGG-3'
Protein context (NP_758448.1, residues 347-367): KRFLRIQRLF[Pro357Leu]PVPQIKDKLN